The following is an entry in ClinVar:

NM_000059.4(BRCA2):c.7676_7677del (p.Ser2559fs)

Gene: BRCA2 (BRCA2 DNA repair associated; plus strand). Cytogenetic location: 13q13.1.
Variant type: Deletion.
Coding change: c.7676_7677del on transcript NM_000059.4 (MANE Select); coding-DNA positions 7676 to 7677, 2 bases deleted (CT; older notation c.7676_7677delCT).
Protein change: p.Ser2559fs; shifts the reading frame from serine 2559.
Molecular consequence: frameshift variant.
Genome position (GRCh38, 1-based): chr13:32,357,800-32,357,801, CT deleted; deleting any 2 consecutive bases within chr13:32,357,799-32,357,801 gives the same sequence; the c. name uses the placement nearest the transcript's 3' end. VCF-style (leftmost placement, unchanged base first): chr13-32357798-GTC-G. GRCh37 (hg19) VCF-style: chr13-32931935-GTC-G.
Other names: c.7676_7677delCT (NM_000059.3); short protein forms S2559fs.
Identifiers: ClinVar variation 655714 (VCV000655714.11), dbSNP rs1593920773, ClinGen allele CA915946875.

ClinVar aggregate classification (germline): Pathogenic. Review status: criteria provided, multiple submitters, no conflicts (2 of 4 stars). 2 submissions from 2 submitters: Pathogenic (2). Last evaluated 2019-02-27.

Conditions:
Hereditary breast ovarian cancer syndrome. Also called: Hereditary breast and ovarian cancer; Hereditary breast and/or ovarian cancer syndrome; Breast and ovarian cancer; BRCA1- and BRCA2-Associated Hereditary Breast and Ovarian Cancer; Hereditary breast and ovarian cancer syndrome; Hereditary breast and ovarian cancer syndrome (HBOC). Identifiers: Orphanet 145, MedGen C0677776, MeSH D061325, MONDO:0003582. Disease mechanism: loss of function.
Hereditary cancer-predisposing syndrome. Also called: Hereditary neoplastic syndrome; Tumor predisposition; Neoplastic Syndromes, Hereditary; Hereditary Cancer Syndrome. Identifiers: Orphanet 140162, MedGen C0027672, MeSH D009386, MONDO:0015356.

Submissions (2):

Ambry Genetics
Classification: Pathogenic for Hereditary cancer-predisposing syndrome. Last evaluated: 2019-02-27. Review status: criteria provided, single submitter. Criteria: Ambry Variant Classification Scheme 2023. Collection method: clinical testing. Allele origin: germline.
Comment: The c.7676_7677delCT pathogenic mutation, located in coding exon 15 of the BRCA2 gene, results from a deletion of two nucleotides at nucleotide positions 7676 to 7677, causing a translational frameshift with a predicted alternate stop codon (p.S2559Ffs*6). This alteration is expected to result in loss of function by premature protein truncation or nonsense-mediated mRNA decay. As such, this alteration is interpreted as a disease-causing mutation.

Labcorp Genetics (formerly Invitae), Labcorp
Classification: Pathogenic for Hereditary breast ovarian cancer syndrome. Last evaluated: 2018-12-05. Review status: criteria provided, single submitter. Criteria: Invitae Variant Classification Sherloc (09022015). Collection method: clinical testing. Allele origin: germline.
Comment: This sequence change creates a premature translational stop signal (p.Ser2559Phefs*6) in the BRCA2 gene. It is expected to result in an absent or disrupted protein product. This variant is not present in population databases (ExAC no frequency). For these reasons, this variant has been classified as Pathogenic. Loss-of-function variants in BRCA2 are known to be pathogenic (PMID: 20104584). This variant has not been reported in the literature in individuals with BRCA2-related conditions.

Literature cited by the submitters: PubMed 20104584 (cited by Labcorp Genetics (formerly Invitae), Labcorp).